The following is an entry in ClinVar:

NM_001017995.3(SH3PXD2B):c.2243A>T (p.Gln748Leu)

Gene: SH3PXD2B (SH3 and PX domains 2B; minus strand). Cytogenetic location: 5q35.1.
Variant type: single nucleotide variant.
Coding change: c.2243A>T on transcript NM_001017995.3 (MANE Select); coding-DNA position 2243, A replaced by T.
Protein change: p.Gln748Leu; replaces glutamine 748 with leucine.
Molecular consequence: missense variant. On other transcripts: intron variant (1).
Genome position (GRCh38, 1-based): chr5:172,338,862, T>A on the plus strand (A>T on the coding strand, the complement: SH3PXD2B is on the minus strand). VCF-style: chr5-172338862-T-A. GRCh37 (hg19) VCF-style: chr5-171765866-T-A.
Other names: c.1188+7274A>T (NM_001308175.2); c.2243A>T (NM_001017995.2); short protein forms Q748L.
Identifiers: ClinVar variation 2889770 (VCV002889770.3), dbSNP rs775740478, ClinGen allele CA3561011.

ClinVar aggregate classification (germline): Uncertain significance. Review status: criteria provided, multiple submitters, no conflicts (2 of 4 stars). 2 submissions from 2 submitters: Uncertain significance (2). Last evaluated 2025-03-03.

Conditions:
Inborn genetic diseases. Identifiers: MedGen C0950123, MeSH D030342.

Allele frequency attached by ClinVar (database versions not stated): ExAC 0.00001; gnomAD exomes 0.00001; TOPMed 0.00002.
gnomAD v4.1: 15 of 1,612,764 alleles (0.00093%); highest among the groups gnomAD compares: Middle Eastern, 0.017%; no homozygotes.

Submissions (2):

Ambry Genetics
Classification: Uncertain significance for Inborn genetic diseases. Last evaluated: 2025-03-03. Review status: criteria provided, single submitter. Criteria: Ambry Variant Classification Scheme 2023. Collection method: clinical testing. Allele origin: germline.

Labcorp Genetics (formerly Invitae), Labcorp
Classification: Uncertain significance. Last evaluated: 2024-10-24. Review status: criteria provided, single submitter. Criteria: Invitae Variant Classification Sherloc (09022015). Collection method: clinical testing. Allele origin: germline.
Comment: This sequence change replaces glutamine, which is neutral and polar, with leucine, which is neutral and non-polar, at codon 748 of the SH3PXD2B protein (p.Gln748Leu). This variant is present in population databases (rs775740478, gnomAD 0.003%). This variant has not been reported in the literature in individuals affected with SH3PXD2B-related conditions. An algorithm developed to predict the effect of missense changes on protein structure and function (PolyPhen-2) suggests that this variant¬¨‚Ä†is likely to be tolerated. In summary, the available evidence is currently insufficient to determine the role of this variant in disease. Therefore, it has been classified as a Variant of Uncertain Significance.